The following is an entry in ClinVar:

NM_000051.4(ATM):c.5812T>G (p.Tyr1938Asp)

Genes: ATM (ATM serine/threonine kinase; plus strand), C11orf65 (chromosome 11 open reading frame 65; minus strand). Cytogenetic location: 11q22.3.
Variant type: single nucleotide variant.
Coding change: c.5812T>G on transcript NM_000051.4 (MANE Select); coding-DNA position 5812, T replaced by G.
Protein change: p.Tyr1938Asp; replaces tyrosine 1938 with aspartic acid.
Molecular consequence: missense variant. On other transcripts: intron variant (2).
Genome position (GRCh38, 1-based): chr11:108,310,209, T>G. VCF-style: chr11-108310209-T-G. GRCh37 (hg19) VCF-style: chr11-108180936-T-G.
Other names: c.5812T>G, p.Tyr1938Asp (NM_001351834.2); c.641-1138A>C (NM_001330368.2); c.*39-1138A>C (NM_001351110.2); short protein forms Y1938D.
Identifiers: ClinVar variation 3222002 (VCV003222002.1), dbSNP rs786203668, ClinGen allele CA382548381.

ClinVar aggregate classification (germline): Uncertain significance (1 of 4 stars; one submission).

Conditions:
Hereditary cancer-predisposing syndrome. Also called: Tumor predisposition; Hereditary Cancer Syndrome; Hereditary neoplastic syndrome; Neoplastic Syndromes, Hereditary. Identifiers: Orphanet 140162, MedGen C0027672, MeSH D009386, MONDO:0015356.

Submission:

Ambry Genetics
Classification: Uncertain significance for Hereditary cancer-predisposing syndrome. Last evaluated: 2023-12-31. Review status: criteria provided, single submitter. Criteria: Ambry Variant Classification Scheme 2023. Collection method: clinical testing. Allele origin: germline.
Comment: The p.Y1938D variant (also known as c.5812T>G), located in coding exon 38 of the ATM gene, results from a T to G substitution at nucleotide position 5812. The tyrosine at codon 1938 is replaced by aspartic acid, an amino acid with highly dissimilar properties. This amino acid position is conserved. In addition, this alteration is predicted to be deleterious by in silico analysis. Since supporting evidence is limited at this time, the clinical significance of this alteration remains unclear.